The following is an entry in ClinVar:

NM_006912.6(RIT1):c.31T>C (p.Cys11Arg)

Gene: RIT1 (Ras like without CAAX 1; minus strand). Cytogenetic location: 1q22.
Variant type: single nucleotide variant.
Coding change: c.31T>C on transcript NM_006912.6 (MANE Select); coding-DNA position 31, T replaced by C.
Protein change: p.Cys11Arg; replaces cysteine 11 with arginine.
Molecular consequence: missense variant. On other transcripts: intron variant (1).
Genome position (GRCh38, 1-based): chr1:155,910,731, A>G on the plus strand (T>C on the coding strand, the complement: RIT1 is on the minus strand). VCF-style: chr1-155910731-A-G. GRCh37 (hg19) VCF-style: chr1-155880522-A-G.
Other names: c.82T>C, p.Cys28Arg (NM_001256821.2); c.-2-225T>C (NM_001256820.2); short protein forms C11R, C28R.
Identifiers: ClinVar variation 4764110 (VCV004764110.1).

ClinVar aggregate classification (germline): Uncertain significance (1 of 4 stars; one submission).

Conditions:
Noonan syndrome 8 (NS8). Identifiers: Orphanet 648, MedGen C3809233, MONDO:0014143, OMIM 615355.

Submission:

Labcorp Genetics (formerly Invitae), Labcorp
Classification: Uncertain significance for Noonan syndrome 8. Last evaluated: 2025-07-13. Review status: criteria provided, single submitter. Criteria: Invitae Variant Classification Sherloc (09022015). Collection method: clinical testing. Allele origin: germline.
Comment: This sequence change replaces cysteine, which is neutral and slightly polar, with arginine, which is basic and polar, at codon 11 of the RIT1 protein (p.Cys11Arg). This variant is not present in population databases (gnomAD no frequency). This variant has not been reported in the literature in individuals affected with RIT1-related conditions. Invitae Evidence Modeling of protein sequence and biophysical properties (such as structural, functional, and spatial information, amino acid conservation, physicochemical variation, residue mobility, and thermodynamic stability) indicates that this missense variant is not expected to disrupt RIT1 protein function with a negative predictive value of 95%. In summary, the available evidence is currently insufficient to determine the role of this variant in disease. Therefore, it has been classified as a Variant of Uncertain Significance.